The following is an entry in ClinVar:

NM_001190274.2(FBXO11):c.2570A>C (p.Asn857Thr)

Genes: FBXO11 (F-box protein 11; minus strand), MSH6 (mutS homolog 6; plus strand). Cytogenetic location: 2p16.3.
Variant type: single nucleotide variant.
Coding change: c.2570A>C on transcript NM_001190274.2 (MANE Select); coding-DNA position 2570, A replaced by C.
Protein change: p.Asn857Thr; replaces asparagine 857 with threonine.
Molecular consequence: missense variant. On other transcripts: intron variant (6).
Genome position (GRCh38, 1-based): chr2:47,808,413, T>G on the plus strand (A>C on the coding strand, the complement: FBXO11 is on the minus strand). VCF-style: chr2-47808413-T-G. GRCh37 (hg19) VCF-style: chr2-48035552-T-G.
Other names: c.2318A>C, p.Asn773Thr (NM_001374325.1, NM_025133.4); c.*43+1510T>G (NM_001406809.1); c.*40+1513T>G (NM_001406796.1, NM_001406811.1, NM_001406805.1 and 2 more transcripts); short protein forms N773T, N857T.
Identifiers: ClinVar variation 4755638 (VCV004755638.1).

ClinVar aggregate classification (germline): Uncertain significance (1 of 4 stars; one submission).

Submission:

GeneDx
Classification: Uncertain significance. Last evaluated: 2025-08-07. Review status: criteria provided, single submitter. Criteria: GeneDx Variant Classification Process June 2021. Collection method: clinical testing. Allele origin: germline. Affected: yes.
Comment: Not observed at significant frequency in large population cohorts (gnomAD); In silico analysis supports that this missense variant has a deleterious effect on protein structure/function; Has not been previously published as pathogenic or benign to our knowledge